The following is an entry in ClinVar:

NM_000384.3(APOB):c.12079A>G (p.Ser4027Gly)

Gene: APOB (apolipoprotein B; minus strand). Cytogenetic location: 2p24.1.
Variant type: single nucleotide variant.
Coding change: c.12079A>G on transcript NM_000384.3 (MANE Select); coding-DNA position 12079, A replaced by G.
Protein change: p.Ser4027Gly; replaces serine 4027 with glycine.
Molecular consequence: missense variant.
Genome position (GRCh38, 1-based): chr2:21,004,277, T>C on the plus strand (A>G on the coding strand, the complement: APOB is on the minus strand). VCF-style: chr2-21004277-T-C. GRCh37 (hg19) VCF-style: chr2-21227149-T-C.
Other names: c.12079A>G (NM_000384.2); short protein forms S4027G.
Identifiers: ClinVar variation 1410492 (VCV001410492.6), dbSNP rs1176290647, ClinGen allele CA345975112.

ClinVar aggregate classification (germline): Uncertain significance. Review status: criteria provided, multiple submitters, no conflicts (2 of 4 stars). 2 submissions from 2 submitters: Uncertain significance (2). Last evaluated 2025-05-08.

Conditions:
Familial hypobetalipoproteinemia 1. Also called: APOB-Related Familial Hypobetalipoproteinemia; Hypobetalipoproteinemia, normotriglyceridemic; Acanthocytosis with hypobetalipoproteinemia. Identifiers: MedGen C4551990, MONDO:0014252, OMIM 615558.
Hypercholesterolemia, autosomal dominant, type B (FHCL2). Also called: Familial Hypercholesterolemia Type B; APOLIPOPROTEIN B-100, FAMILIAL DEFECTIVE; APOLIPOPROTEIN B-100, FAMILIAL LIGAND-DEFECTIVE; HYPERCHOLESTEROLEMIA, FAMILIAL, DUE TO LIGAND-DEFECTIVE APOLIPOPROTEIN B; APOB-Related Familial Hypercholesterolemia, Autosomal Dominant; Familial hypercholesterolemia 2. Identifiers: MedGen C1704417, MONDO:0007751, OMIM 144010.

Allele frequency attached by ClinVar (database versions not stated): gnomAD exomes below 0.00001; TOPMed below 0.00001.
gnomAD v4.1: 2 of 1,613,934 alleles (0.00012%); highest among the groups gnomAD compares: East Asian, 0.0022%; no homozygotes.

Submissions (2):

GeneDx
Classification: Uncertain significance. Last evaluated: 2025-05-08. Review status: criteria provided, single submitter. Criteria: GeneDx Variant Classification Process June 2021. Collection method: clinical testing. Allele origin: germline. Affected: yes.
Comment: Not observed at significant frequency in large population cohorts (gnomAD); In silico analysis suggests that this missense variant does not alter protein structure/function; Has not been previously published as pathogenic or benign to our knowledge; Also known as S4000G

Labcorp Genetics (formerly Invitae), Labcorp
Classification: Uncertain significance for Familial hypobetalipoproteinemia 1; Hypercholesterolemia, autosomal dominant, type B. Last evaluated: 2021-09-01. Review status: criteria provided, single submitter. Criteria: Invitae Variant Classification Sherloc (09022015). Collection method: clinical testing. Allele origin: germline.
Comment: This sequence change replaces serine with glycine at codon 4027 of the APOB protein (p.Ser4027Gly). The serine residue is weakly conserved and there is a small physicochemical difference between serine and glycine. This variant is not present in population databases (ExAC no frequency). This variant has not been reported in the literature in individuals affected with APOB-related conditions. Algorithms developed to predict the effect of missense changes on protein structure and function (SIFT, PolyPhen-2, Align-GVGD) all suggest that this variant is likely to be tolerated. In summary, the available evidence is currently insufficient to determine the role of this variant in disease. Therefore, it has been classified as a Variant of Uncertain Significance.